The following is an entry in ClinVar:

NM_172107.4(KCNQ2):c.2605G>A (p.Gly869Arg)

Gene: KCNQ2 (potassium voltage-gated channel subfamily Q member 2; minus strand). Cytogenetic location: 20q13.33.
Variant type: single nucleotide variant.
Coding change: c.2605G>A on transcript NM_172107.4 (MANE Select); coding-DNA position 2605, G replaced by A.
Protein change: p.Gly869Arg; replaces glycine 869 with arginine.
Molecular consequence: missense variant.
Genome position (GRCh38, 1-based): chr20:63,406,658, C>T on the plus strand (G>A on the coding strand, the complement: KCNQ2 is on the minus strand). VCF-style: chr20-63406658-C-T. GRCh37 (hg19) VCF-style: chr20-62038011-C-T.
Other names: c.2659G>A, p.Gly887Arg (NM_001382235.1); c.2521G>A, p.Gly841Arg (NM_004518.6); c.2551G>A, p.Gly851Arg (NM_172106.3); c.2512G>A, p.Gly838Arg (NM_172108.5); c.2605G>A (NM_172107.2); short protein forms G838R, G841R, G851R, G869R, G887R.
Identifiers: ClinVar variation 2194673 (VCV002194673.5), dbSNP rs762910638, ClinGen allele CA409636358.
Genomic context (GRCh38, chr20:63,406,658, plus strand): 5'-CCGTGCTGAGGAGGGCCGCGGGCGGGTCCACTGGCCCAGCGCCGCCTCACTTCCTGGGCC[C>T]GGCCCAGCCCACGTCACCAAAGGGACCCTCGCCGGTGGCCGAGCGTGGCGGGGGCCCGCA-3'
Protein context (NP_742105.1, residues 859-872): EGPFGDVGWA[Gly869Arg]PRK

ClinVar aggregate classification (germline): Conflicting classifications of pathogenicity. Review status: criteria provided, conflicting classifications (1 of 4 stars). 2 submissions from 2 submitters: Uncertain significance (1); Likely benign (1). Last evaluated 2025-12-20.

Conditions:
Early-infantile DEE. Also called: Early infantile epileptic encephalopathy; Ohtahara syndrome; Early infantile epileptic encephalopathy with suppression bursts. Identifiers: Orphanet 1934, MedGen C0393706, MONDO:0800491.
Inborn genetic diseases. Identifiers: MedGen C0950123, MeSH D030342.

Allele frequency attached by ClinVar (database versions not stated): gnomAD 0.00001; TOPMed 0.00001.
gnomAD v4.1: 30 of 1,593,502 alleles (0.0019%); highest among the groups gnomAD compares: African/African-American, 0.0027%; no homozygotes.

Submissions (2):

Labcorp Genetics (formerly Invitae), Labcorp
Classification: Uncertain significance for Early-infantile DEE. Last evaluated: 2025-12-20. Review status: criteria provided, single submitter. Criteria: Invitae Variant Classification Sherloc (09022015). Collection method: clinical testing. Allele origin: germline.
Comment: This sequence change replaces glycine, which is neutral and non-polar, with arginine, which is basic and polar, at codon 869 of the KCNQ2 protein (p.Gly869Arg). This variant is present in population databases (no rsID available, gnomAD 0.008%). This variant has not been reported in the literature in individuals affected with KCNQ2-related conditions. ClinVar contains an entry for this variant (Variation ID: 2194673). Invitae Evidence Modeling of protein sequence and biophysical properties (such as structural, functional, and spatial information, amino acid conservation, physicochemical variation, residue mobility, and thermodynamic stability) indicates that this missense variant is not expected to disrupt KCNQ2 protein function with a negative predictive value of 95%. In summary, the available evidence is currently insufficient to determine the role of this variant in disease. Therefore, it has been classified as a Variant of Uncertain Significance.

Ambry Genetics
Classification: Likely benign for Inborn genetic diseases. Last evaluated: 2025-09-19. Review status: criteria provided, single submitter. Criteria: Ambry Variant Classification Scheme 2023. Collection method: clinical testing. Allele origin: germline.